The following is an entry in ClinVar:

ClinVar aggregate classification (germline): Uncertain significance (1 of 4 stars; one submission).

Conditions:
Spermatogenic failure 18. Identifiers: MedGen C4539783, MONDO:0054615, OMIM 617576.
Ciliary dyskinesia, primary, 37 (CILD37). Also called: CILIARY DYSKINESIA, PRIMARY, 37, WITH OR WITHOUT SITUS INVERSUS. Identifiers: MedGen C4539798, MONDO:0033204, OMIM 617577.

Submission:

Labcorp Genetics (formerly Invitae), Labcorp
Classification: Uncertain significance for Ciliary dyskinesia, primary, 37; Spermatogenic failure 18. Last evaluated: 2025-10-23. Review status: criteria provided, single submitter. Criteria: Invitae Variant Classification Sherloc (09022015). Collection method: clinical testing. Allele origin: germline.
Comment: This sequence change affects codon 879 of the DNAH1 mRNA. It is a 'silent' change, meaning that it does not change the encoded amino acid sequence of the DNAH1 protein. This variant is not present in population databases (gnomAD no frequency). This variant has not been reported in the literature in individuals affected with DNAH1-related conditions. Algorithms developed to predict the effect of sequence changes on RNA splicing suggest that this variant may create or strengthen a splice site. In summary, the available evidence is currently insufficient to determine the role of this variant in disease. Therefore, it has been classified as a Variant of Uncertain Significance.

NM_015512.5(DNAH1):c.2637G>A (p.Val879=)

Gene: DNAH1 (dynein axonemal heavy chain 1; plus strand). Cytogenetic location: 3p21.1.
Variant type: single nucleotide variant.
Coding change: c.2637G>A on transcript NM_015512.5 (MANE Select); coding-DNA position 2637, G replaced by A.
Protein change: p.Val879=; no amino-acid change (valine 879 retained).
Molecular consequence: synonymous variant.
Genome position (GRCh38, 1-based): chr3:52,350,099, G>A. VCF-style: chr3-52350099-G-A. GRCh37 (hg19) VCF-style: chr3-52384115-G-A.
Identifiers: ClinVar variation 4786310 (VCV004786310.1).